The following is an entry in ClinVar:

ClinVar aggregate classification (germline): Likely benign. Review status: criteria provided, single submitter (1 of 4 stars). 3 submissions from 3 submitters: Likely benign (1). 2 of the submissions do not count toward it. Last evaluated 2018-07-20.

Conditions:
Alstrom syndrome (ALMS). Identifiers: Orphanet 64, MedGen C0268425, MONDO:0008763, OMIM 203800.
ALMS1-related disorder. Also called: ALMS1-related condition.

Submissions (3):

Labcorp Genetics (formerly Invitae), Labcorp
Classification: Likely benign. Last evaluated: 2018-07-20. Review status: criteria provided, single submitter. Criteria: Invitae Variant Classification Sherloc (09022015). Collection method: clinical testing. Allele origin: germline.

PreventionGenetics, part of Exact Sciences
Classification: Uncertain significance for ALMS1-related condition. Last evaluated: 2024-06-05. Review status: no assertion criteria provided. Collection method: clinical testing. Allele origin: germline. Not counted in ClinVar's aggregate classification.
Comment: The ALMS1 c.10230_10232dupTGC variant is predicted to result in an in-frame duplication (p.Ala3411dup). To our knowledge, this variant has not been reported in the literature. This variant is reported in 0.0029% of alleles in individuals of Latino descent in gnomAD. At this time, the clinical significance of this variant is uncertain due to the absence of conclusive functional and genetic evidence.

Counsyl
Classification: Uncertain significance for Alstrom syndrome. Last evaluated: 2017-10-31. Review status: no assertion criteria provided. Collection method: clinical testing. Allele origin: unknown. Not counted in ClinVar's aggregate classification.

NM_001378454.1(ALMS1):c.10221TGC[6] (p.Ala3412dup)

Gene: ALMS1 (ALMS1 centrosome and basal body associated protein; plus strand). Cytogenetic location: 2p13.1.
Variant type: Microsatellite.
Coding change: c.10221TGC[6] on transcript NM_001378454.1 (MANE Select); six copies in a row of the 3-base unit TGC starting at c.10221; the reference has five copies in a row; one copy, 3 bases duplicated.
Protein change: p.Ala3412dup; duplicates alanine 3412.
Molecular consequence: inframe insertion.
Genome position (GRCh38, 1-based): chr2:73,558,991-73,558,993, TGC duplicated; duplicating any 3 consecutive bases within chr2:73,558,979-73,558,993 gives the same sequence; the position shown is the placement nearest the transcript's 3' end. VCF-style (leftmost placement, unchanged base first): chr2-73558978-G-GTGC. GRCh37 (hg19) VCF-style: chr2-73786105-G-GTGC.
Other names: c.10230_10232dupTGC (NM_015120.4); c.10238_10239insTGC (NM_015120.4); c.10224TGC[6], p.Ala3413dup (NM_015120.4).
Identifiers: ClinVar variation 554658 (VCV000554658.7), dbSNP rs760731440, ClinGen allele CA1714942.